The following is an entry in ClinVar:

NM_001346249.2(RALGAPA1):c.796A>G (p.Ile266Val)

Gene: RALGAPA1 (Ral GTPase activating protein catalytic subunit alpha 1; minus strand). Cytogenetic location: 14q13.2.
Variant type: single nucleotide variant.
Coding change: c.796A>G on transcript NM_001346249.2 (MANE Select); coding-DNA position 796, A replaced by G.
Protein change: p.Ile266Val; replaces isoleucine 266 with valine.
Molecular consequence: missense variant.
Genome position (GRCh38, 1-based): chr14:35,752,030, T>C on the plus strand (A>G on the coding strand, the complement: RALGAPA1 is on the minus strand). VCF-style: chr14-35752030-T-C. GRCh37 (hg19) VCF-style: chr14-36221236-T-C.
Other names: c.796A>G, p.Ile266Val (NM_001283043.3, NM_001283044.3, NM_001330075.3 and 7 more transcripts); c.796A>G (NM_014990.1); short protein forms I266V.
Identifiers: ClinVar variation 2360340 (VCV002360340.3), dbSNP rs142660339, ClinGen allele CA7157240.

ClinVar aggregate classification (germline): Conflicting classifications of pathogenicity. Review status: criteria provided, conflicting classifications (1 of 4 stars). 2 submissions from 2 submitters: Uncertain significance (1); Likely benign (1). Last evaluated 2023-12-09.

Conditions:
Inborn genetic diseases. Identifiers: MedGen C0950123, MeSH D030342.

Allele frequency attached by ClinVar (database versions not stated): gnomAD 0.00001; gnomAD exomes 0.00001; TOPMed 0.00002; ExAC 0.00006; ESP Exome Variant Server 0.00008.
gnomAD v4.1: 26 of 1,579,592 alleles (0.0016%); highest among the groups gnomAD compares: Middle Eastern, 0.023%; no homozygotes.

Submissions (2):

GeneDx
Classification: Uncertain significance. Last evaluated: 2023-12-09. Review status: criteria provided, single submitter. Criteria: GeneDx Variant Classification Process June 2021. Collection method: clinical testing. Allele origin: germline. Affected: yes.
Comment: In silico analysis supports that this missense variant does not alter protein structure/function; Has not been previously published as pathogenic or benign to our knowledge

Ambry Genetics
Classification: Likely benign for Inborn genetic diseases. Last evaluated: 2021-08-30. Review status: criteria provided, single submitter. Criteria: Ambry Variant Classification Scheme 2023. Collection method: clinical testing. Allele origin: germline.